The following is an entry in ClinVar:

ClinVar aggregate classification (germline): Benign/Likely benign. Review status: criteria provided, multiple submitters, no conflicts (2 of 4 stars). 2 submissions from 2 submitters: Benign (1); Likely benign (1). Last evaluated 2026-01-01.

Allele frequency attached by ClinVar (database versions not stated): gnomAD 0.00322; ESP Exome Variant Server 0.00344; TOPMed 0.00431; 1000 Genomes Project 0.00499; 1000 Genomes Project 30x 0.00531.

Submissions (5):

CeGaT Center for Human Genetics Tuebingen
Classification: Likely benign. Last evaluated: 2026-01-01. Review status: criteria provided, single submitter. Criteria: CeGaT Center For Human Genetics Tuebingen Variant Classification Criteria Version 2. Collection method: clinical testing. Allele origin: germline. Affected: yes. Observed: 1 variant allele.
Comment: MIF: BP4, BS1

Labcorp Genetics (formerly Invitae), Labcorp
Classification: Benign. Last evaluated: 2018-08-16. Review status: criteria provided, single submitter. Criteria: Invitae Variant Classification Sherloc (09022015). Collection method: clinical testing. Allele origin: germline.

Dr. Peter K. Rogan Lab, Western University
No classification provided (evidence only). Condition: Uterine corpus endometrial carcinoma. Review status: no classification provided. Collection method: in vitro. Allele origin: not applicable. Functional consequence: retained intron. Not counted in ClinVar's aggregate classification.

Dr. Peter K. Rogan Lab, Western University
No classification provided (evidence only). Condition: Ovarian serous cystadenocarcinoma. Review status: no classification provided. Collection method: in vitro. Allele origin: not applicable. Functional consequence: retained intron. Not counted in ClinVar's aggregate classification.

Dr. Peter K. Rogan Lab, Western University
No classification provided (evidence only). Condition: Malignant tumor of esophagus. Review status: no classification provided. Collection method: in vitro. Allele origin: not applicable. Functional consequence: retained intron. Not counted in ClinVar's aggregate classification.

NM_002415.2(MIF):c.282-7C>A

Genes: MIF-AS1 (MIF antisense RNA 1; minus strand), MIF (macrophage migration inhibitory factor; plus strand). Cytogenetic location: 22q11.23.
Variant type: single nucleotide variant.
Coding change: c.282-7C>A on transcript NM_002415.2 (MANE Select); 7 bases into the intron before coding-DNA position 282, C replaced by A.
Molecular consequence: intron variant. On other transcripts: non-coding transcript variant (1).
Genome position (GRCh38, 1-based): chr22:23,895,033, C>A. VCF-style: chr22-23895033-C-A. GRCh37 (hg19) VCF-style: chr22-24237220-C-A.
Other names: NC_000022.10:g.24237220C>A.
Identifiers: ClinVar variation 712657 (VCV000712657.8), dbSNP rs35625249, ClinGen allele CA10147431.